The following is an entry in ClinVar:

NM_173689.7(CRB2):c.2839C>A (p.Pro947Thr)

Gene: CRB2 (crumbs cell polarity complex component 2; plus strand). Cytogenetic location: 9q33.3.
Variant type: single nucleotide variant.
Coding change: c.2839C>A on transcript NM_173689.7 (MANE Select); coding-DNA position 2839, C replaced by A.
Protein change: p.Pro947Thr; replaces proline 947 with threonine.
Molecular consequence: missense variant. On other transcripts: non-coding transcript variant (1).
Genome position (GRCh38, 1-based): chr9:123,373,370, C>A. VCF-style: chr9-123373370-C-A. GRCh37 (hg19) VCF-style: chr9-126135649-C-A.
Other names: short protein forms P947T.
Identifiers: ClinVar variation 1407877 (VCV001407877.9), dbSNP rs901060065, ClinGen allele CA199638801.
Genomic context (GRCh38, chr9:123,373,370, plus strand): 5'-GGCTCGCTGGCGGGGGGCGTGCGCGGAGGCCATGGCCTGCCCGGCGCTGTGCTGCCCATA[C>A]CGGGGCCGCGCGTGGCCGATGGTGCCTGGCACCGCGTGCGTCTGGCCATGGAGCGCCCGG-3'
Protein context (NP_775960.4, residues 937-957): HGLPGAVLPI[Pro947Thr]GPRVADGAWH

ClinVar aggregate classification (germline): Uncertain significance (1 of 4 stars; one submission).

Allele frequency attached by ClinVar (database versions not stated): gnomAD 0.00002.
gnomAD v4.1: 4 of 1,433,182 alleles (0.00028%); highest among the groups gnomAD compares: African/African-American, 0.006%; no homozygotes.

Submission:

Labcorp Genetics (formerly Invitae), Labcorp
Classification: Uncertain significance. Last evaluated: 2022-09-19. Review status: criteria provided, single submitter. Criteria: Invitae Variant Classification Sherloc (09022015). Collection method: clinical testing. Allele origin: germline.
Comment: In summary, the available evidence is currently insufficient to determine the role of this variant in disease. Therefore, it has been classified as a Variant of Uncertain Significance. Advanced modeling of protein sequence and biophysical properties (such as structural, functional, and spatial information, amino acid conservation, physicochemical variation, residue mobility, and thermodynamic stability) performed at Invitae indicates that this missense variant is not expected to disrupt CRB2 protein function. ClinVar contains an entry for this variant (Variation ID: 1407877). This variant has not been reported in the literature in individuals affected with CRB2-related conditions. This variant is not present in population databases (gnomAD no frequency). This sequence change replaces proline, which is neutral and non-polar, with threonine, which is neutral and polar, at codon 947 of the CRB2 protein (p.Pro947Thr).